The following is an entry in ClinVar:

ClinVar aggregate classification (germline): Conflicting classifications of pathogenicity. Review status: criteria provided, conflicting classifications (1 of 4 stars). 2 submissions from 2 submitters: Uncertain significance (1); Likely benign (1). Last evaluated 2026-09-11.

Conditions:
Hereditary cancer-predisposing syndrome. Also called: Hereditary Cancer Syndrome; Neoplastic Syndromes, Hereditary; Hereditary neoplastic syndrome; Tumor predisposition. Identifiers: Orphanet 140162, MedGen C0027672, MeSH D009386, MONDO:0015356.
Peutz-Jeghers syndrome (PJS). Also called: POLYPOSIS, HAMARTOMATOUS INTESTINAL; POLYPS-AND-SPOTS SYNDROME; Peutz-Jeghers polyposis; Periorificial lentiginosis syndrome. Identifiers: Orphanet 2869, MedGen C0031269, MeSH D010580, MONDO:0008280, OMIM 175200.

Allele frequency attached by ClinVar (database versions not stated): gnomAD exomes below 0.00001.
gnomAD v4.1: 1 of 1,610,908 alleles (0.000062%); highest among the groups gnomAD compares: Non-Finnish European, 0.000085%; no homozygotes.

Submissions (2):

Ambry Genetics
Classification: Likely benign for Hereditary cancer-predisposing syndrome. Last evaluated: 2026-09-11. Review status: criteria provided, single submitter. Criteria: Ambry Variant Classification Scheme 2023. Collection method: clinical testing. Allele origin: germline.

Labcorp Genetics (formerly Invitae), Labcorp
Classification: Uncertain significance for Peutz-Jeghers syndrome. Last evaluated: 2021-12-05. Review status: criteria provided, single submitter. Criteria: Invitae Variant Classification Sherloc (09022015). Collection method: clinical testing. Allele origin: germline.
Comment: This sequence change replaces proline, which is neutral and non-polar, with serine, which is neutral and polar, at codon 387 of the STK11 protein (p.Pro387Ser). This variant is not present in population databases (gnomAD no frequency). This variant has not been reported in the literature in individuals affected with STK11-related conditions. Advanced modeling of protein sequence and biophysical properties (such as structural, functional, and spatial information, amino acid conservation, physicochemical variation, residue mobility, and thermodynamic stability) performed at Invitae indicates that this missense variant is not expected to disrupt STK11 protein function. In summary, the available evidence is currently insufficient to determine the role of this variant in disease. Therefore, it has been classified as a Variant of Uncertain Significance.

NM_000455.5(STK11):c.1159C>T (p.Pro387Ser)

Gene: STK11 (serine/threonine kinase 11; plus strand). Cytogenetic location: 19p13.3.
Variant type: single nucleotide variant.
Coding change: c.1159C>T on transcript NM_000455.5 (MANE Select); coding-DNA position 1159, C replaced by T.
Protein change: p.Pro387Ser; replaces proline 387 with serine.
Molecular consequence: missense variant.
Genome position (GRCh38, 1-based): chr19:1,226,504, C>T. VCF-style: chr19-1226504-C-T. GRCh37 (hg19) VCF-style: chr19-1226503-C-T.
Other names: short protein forms P387S.
Identifiers: ClinVar variation 1439600 (VCV001439600.9), dbSNP rs2145435999, ClinGen allele CA402953429.
Genomic context (GRCh38, chr19:1,226,504, plus strand): 5'-TCCCTCCCAGGACAGGTCCCAGAAGAGGAGGCCAGTCACAATGGACAGCGCCGGGGCCTC[C>T]CCAAGGCCGTGTGTATGAACGGCACAGAGGCGGCGCAGCTGAGCACCAAATCCAGGGCGG-3'
Protein context (NP_000446.1, residues 377-397): ASHNGQRRGL[Pro387Ser]KAVCMNGTEA